The following is an entry in ClinVar:

NM_018319.4(TDP1):c.1434-3T>G

Gene: TDP1 (tyrosyl-DNA phosphodiesterase 1; plus strand). Cytogenetic location: 14q32.11.
Variant type: single nucleotide variant.
Coding change: c.1434-3T>G on transcript NM_018319.4 (MANE Select); 3 bases into the intron before coding-DNA position 1434, T replaced by G.
Molecular consequence: intron variant.
Genome position (GRCh38, 1-based): chr14:89,993,373, T>G. VCF-style: chr14-89993373-T-G. GRCh37 (hg19) VCF-style: chr14-90459717-T-G.
Other names: c.1434-3T>G (NM_001330205.2, NM_001008744.2).
Identifiers: ClinVar variation 4682169 (VCV004682169.1).
Genomic context (GRCh38, chr14:89,993,373, plus strand): 5'-TAATATTAGGATTATGATCAATTTTATTTCATAATTAGTAACTTTTGTCTTTTCTGTCAC[T>G]AGCAAATGGTCAGCTGAGACTTCTGGCCGCAGCAATGCCATGCCACATATTAAGACATAT-3'

ClinVar aggregate classification (germline): Uncertain significance (1 of 4 stars; one submission).

Submission:

Athena Diagnostics
Classification: Uncertain significance. Last evaluated: 2025-06-02. Review status: criteria provided, single submitter. Criteria: Athena Diagnostics Criteria. Collection method: clinical testing. Allele origin: unknown.
Comment: Available data are insufficient to determine the clinical significance of the variant at this time. This variant has not been reported in large, multi-ethnic general populations. Computational tools yielded predictions that this variant may interfere with normal RNA splicing.